The following is an entry in ClinVar:

NM_017617.5(NOTCH1):c.6382C>A (p.Pro2128Thr)

Gene: NOTCH1 (notch receptor 1; minus strand). Cytogenetic location: 9q34.3.
Variant type: single nucleotide variant.
Coding change: c.6382C>A on transcript NM_017617.5 (MANE Select); coding-DNA position 6382, C replaced by A.
Protein change: p.Pro2128Thr; replaces proline 2128 with threonine.
Molecular consequence: missense variant.
Genome position (GRCh38, 1-based): chr9:136,497,357, G>T on the plus strand (C>A on the coding strand, the complement: NOTCH1 is on the minus strand). VCF-style: chr9-136497357-G-T. GRCh37 (hg19) VCF-style: chr9-139391809-G-T.
Other names: short protein forms P2128T.
Identifiers: ClinVar variation 3406884 (VCV003406884.1).

ClinVar aggregate classification (germline): Uncertain significance (1 of 4 stars; one submission).

Conditions:
Familial thoracic aortic aneurysm and aortic dissection (TAAD). Also called: Thoracic aortic aneurysms and dissections. Identifiers: Orphanet 91387, MedGen C4707243, MONDO:0019625.

Submission:

Ambry Genetics
Classification: Uncertain significance for Familial thoracic aortic aneurysm and aortic dissection. Last evaluated: 2024-10-27. Review status: criteria provided, single submitter. Criteria: Ambry Variant Classification Scheme 2023. Collection method: clinical testing. Allele origin: germline.
Comment: The p.P2128T variant (also known as c.6382C>A), located in coding exon 34 of the NOTCH1 gene, results from a C to A substitution at nucleotide position 6382. The proline at codon 2128 is replaced by threonine, an amino acid with highly similar properties. This amino acid position is conserved. In addition, this alteration is predicted to be tolerated by in silico analysis. Based on the available evidence, the clinical significance of this variant remains unclear.